The following is an entry in ClinVar:

ClinVar aggregate classification (germline): Uncertain significance. Review status: criteria provided, multiple submitters, no conflicts (2 of 4 stars). 2 submissions from 2 submitters: Uncertain significance (2). Last evaluated 2023-11-27.

Allele frequency attached by ClinVar (database versions not stated): gnomAD below 0.00001 and 0.00001; ExAC 0.00002; gnomAD exomes 0.00002 and 0.00003.
gnomAD v4.1: 24 of 1,613,798 alleles (0.0015%); highest among the groups gnomAD compares: South Asian, 0.023%; no homozygotes.

Submissions (2):

Labcorp Genetics (formerly Invitae), Labcorp
Classification: Uncertain significance. Last evaluated: 2023-11-27. Review status: criteria provided, single submitter. Criteria: Invitae Variant Classification Sherloc (09022015). Collection method: clinical testing. Allele origin: germline.
Comment: This sequence change replaces arginine, which is basic and polar, with tryptophan, which is neutral and slightly polar, at codon 217 of the RIMS1 protein (p.Arg217Trp). This variant is present in population databases (rs185303689, gnomAD 0.02%). This variant has not been reported in the literature in individuals affected with RIMS1-related conditions. ClinVar contains an entry for this variant (Variation ID: 1008607). An algorithm developed to predict the effect of missense changes on protein structure and function (PolyPhen-2) suggests that this variant is likely to be disruptive. In summary, the available evidence is currently insufficient to determine the role of this variant in disease. Therefore, it has been classified as a Variant of Uncertain Significance.

Ambry Genetics
Classification: Uncertain significance. Last evaluated: 2023-06-28. Review status: criteria provided, single submitter. Criteria: Ambry Variant Classification Scheme 2023. Collection method: clinical testing. Allele origin: germline.

NM_014989.7(RIMS1):c.649C>T (p.Arg217Trp)

Gene: RIMS1 (regulating synaptic membrane exocytosis 1; plus strand). Cytogenetic location: 6q13.
Variant type: single nucleotide variant.
Coding change: c.649C>T on transcript NM_014989.7 (MANE Select); coding-DNA position 649, C replaced by T.
Protein change: p.Arg217Trp; replaces arginine 217 with tryptophan.
Molecular consequence: missense variant.
Genome position (GRCh38, 1-based): chr6:72,179,752, C>T. VCF-style: chr6-72179752-C-T. GRCh37 (hg19) VCF-style: chr6-72889455-C-T.
Other names: c.649C>T (NM_014989.4); short protein forms R217W.
Identifiers: ClinVar variation 1008607 (VCV001008607.10), dbSNP rs185303689, ClinGen allele CA3885563.